The following is an entry in ClinVar:

ClinVar aggregate classification (germline): Uncertain significance (1 of 4 stars; one submission).

Conditions:
Charcot-Marie-Tooth disease axonal type 2C (HMSN2C). Also called: CHARCOT-MARIE-TOOTH DISEASE, AXONAL, AUTOSOMAL DOMINANT, TYPE 2C; Charcot-Marie-Tooth Neuropathy Type 2C; Charcot-Marie-Tooth Disease Type 2, TRPV4-Related (CMT2C). Identifiers: Orphanet 99937, MedGen C1853710, MONDO:0011633, OMIM 606071.

Submission:

Labcorp Genetics (formerly Invitae), Labcorp
Classification: Uncertain significance for Charcot-Marie-Tooth disease axonal type 2C. Last evaluated: 2023-03-24. Review status: criteria provided, single submitter. Criteria: Invitae Variant Classification Sherloc (09022015). Collection method: clinical testing. Allele origin: germline.
Comment: This sequence change replaces methionine, which is neutral and non-polar, with valine, which is neutral and non-polar, at codon 642 of the TRPV4 protein (p.Met642Val). This variant is not present in population databases (gnomAD no frequency). This variant has not been reported in the literature in individuals affected with TRPV4-related conditions. Advanced modeling of protein sequence and biophysical properties (such as structural, functional, and spatial information, amino acid conservation, physicochemical variation, residue mobility, and thermodynamic stability) performed at Invitae indicates that this missense variant is not expected to disrupt TRPV4 protein function. In summary, the available evidence is currently insufficient to determine the role of this variant in disease. Therefore, it has been classified as a Variant of Uncertain Significance.

NM_021625.5(TRPV4):c.1924A>G (p.Met642Val)

Gene: TRPV4 (transient receptor potential cation channel subfamily V member 4; minus strand). Cytogenetic location: 12q24.11.
Variant type: single nucleotide variant.
Coding change: c.1924A>G on transcript NM_021625.5 (MANE Select); coding-DNA position 1924, A replaced by G.
Protein change: p.Met642Val; replaces methionine 642 with valine.
Molecular consequence: missense variant.
Genome position (GRCh38, 1-based): chr12:109,788,684, T>C on the plus strand (A>G on the coding strand, the complement: TRPV4 is on the minus strand). VCF-style: chr12-109788684-T-C. GRCh37 (hg19) VCF-style: chr12-110226489-T-C.
Other names: c.1783A>G, p.Met595Val (NM_001177428.2); c.1822A>G, p.Met608Val (NM_001177431.2); c.1603A>G, p.Met535Val (NM_001177433.2); c.1744A>G, p.Met582Val (NM_147204.3); short protein forms M582V, M642V, M535V, M608V, M595V.
Identifiers: ClinVar variation 2844148 (VCV002844148.3), dbSNP rs1411091303, ClinGen allele CA386651133.